The following is an entry in ClinVar:

NM_032805.3(ZSCAN10):c.70del (p.Glu24fs)

Gene: ZSCAN10 (zinc finger and SCAN domain containing 10; minus strand). Cytogenetic location: 16p13.3.
Variant type: Deletion.
Coding change: c.70del on transcript NM_032805.3 (MANE Select); coding-DNA position 70, one base deleted (G; older notation c.70delG).
Protein change: p.Glu24fs; shifts the reading frame from glutamic acid 24.
Molecular consequence: frameshift variant. On other transcripts: 5 prime UTR variant (2), intron variant (2).
Genome position (GRCh38, 1-based): chr16:3,092,868, C deleted on the plus strand (G on the coding strand, the reverse complement: ZSCAN10 is on the minus strand); the first of 2 consecutive C bases (chr16:3,092,868-3,092,869); deleting either gives the same sequence. VCF-style (leftmost placement, unchanged base first): chr16-3092867-TC-T. GRCh37 (hg19) VCF-style: chr16-3142868-TC-T.
Other names: c.-74del (NM_001282416.2, NM_001365272.1); c.-518-1040del (NM_001365273.1); c.-786-552del (NM_001282415.2); short protein forms E24fs.
Identifiers: ClinVar variation 5039088 (VCV005039088.1).

ClinVar aggregate classification (germline): Likely pathogenic (1 of 4 stars; one submission).

Submission:

CeGaT Center for Human Genetics Tuebingen
Classification: Likely pathogenic. Last evaluated: 2026-07-01. Review status: criteria provided, single submitter. Criteria: CeGaT Center For Human Genetics Tuebingen Variant Classification Criteria Version 2. Collection method: clinical testing. Allele origin: germline. Affected: yes. Observed: 3 variant alleles.
Comment: ZSCAN10: PVS1:Strong, PM2, PM3:Supporting